The following is an entry in ClinVar:

NM_000363.5(TNNI3):c.308G>C (p.Arg103Pro)

Gene: TNNI3 (troponin I3, cardiac type; minus strand). Cytogenetic location: 19q13.42.
Variant type: single nucleotide variant.
Coding change: c.308G>C on transcript NM_000363.5 (MANE Select); coding-DNA position 308, G replaced by C.
Protein change: p.Arg103Pro; replaces arginine 103 with proline.
Molecular consequence: missense variant.
Genome position (GRCh38, 1-based): chr19:55,154,805, C>G on the plus strand (G>C on the coding strand, the complement: TNNI3 is on the minus strand). VCF-style: chr19-55154805-C-G. GRCh37 (hg19) VCF-style: chr19-55666173-C-G.
Other names: short protein forms R103P.
Identifiers: ClinVar variation 1384747 (VCV001384747.6), dbSNP rs371000425, ClinGen allele CA407441127.

ClinVar aggregate classification (germline): Uncertain significance (1 of 4 stars; one submission).

Conditions:
Hypertrophic cardiomyopathy. Also called: HYPERTROPHIC MYOCARDIOPATHY. Identifiers: Orphanet 217569, MedGen C0007194, MeSH D002312, MONDO:0005045, HP:0001639.

Submission:

Labcorp Genetics (formerly Invitae), Labcorp
Classification: Uncertain significance for Hypertrophic cardiomyopathy. Last evaluated: 2021-10-05. Review status: criteria provided, single submitter. Criteria: Invitae Variant Classification Sherloc (09022015). Collection method: clinical testing. Allele origin: germline.
Comment: In summary, the available evidence is currently insufficient to determine the role of this variant in disease. Therefore, it has been classified as a Variant of Uncertain Significance. Algorithms developed to predict the effect of missense changes on protein structure and function are either unavailable or do not agree on the potential impact of this missense change (SIFT: "Deleterious"; PolyPhen-2: "Benign"; Align-GVGD: "Class C0"). This variant has not been reported in the literature in individuals affected with TNNI3-related conditions. This variant is not present in population databases (ExAC no frequency). This sequence change replaces arginine with proline at codon 103 of the TNNI3 protein (p.Arg103Pro). The arginine residue is highly conserved and there is a moderate physicochemical difference between arginine and proline.